The following is an entry in ClinVar:

NM_001080421.3(UNC13A):c.3382G>A (p.Val1128Met)

Gene: UNC13A (unc-13 homolog A; minus strand). Cytogenetic location: 19p13.11.
Variant type: single nucleotide variant.
Coding change: c.3382G>A on transcript NM_001080421.3 (MANE Select); coding-DNA position 3382, G replaced by A.
Protein change: p.Val1128Met; replaces valine 1128 with methionine.
Molecular consequence: missense variant.
Genome position (GRCh38, 1-based): chr19:17,632,828, C>T on the plus strand (G>A on the coding strand, the complement: UNC13A is on the minus strand). VCF-style: chr19-17632828-C-T. GRCh37 (hg19) VCF-style: chr19-17743637-C-T.
Other names: c.3376G>A, p.Val1126Met (NM_001387021.1, NM_001387022.1, NM_001387023.1); short protein forms V1126M, V1128M.
Identifiers: ClinVar variation 3349164 (VCV003349164.1).

ClinVar aggregate classification (germline): Uncertain significance (0 of 4 stars; one submission).

Conditions:
UNC13A-related disorder. Also called: UNC13A-related condition.

Submission:

PreventionGenetics, part of Exact Sciences
Classification: Uncertain significance for UNC13A-related condition. Last evaluated: 2023-12-04. Review status: no assertion criteria provided. Collection method: clinical testing. Allele origin: germline.
Comment: The UNC13A c.3382G>A variant is predicted to result in the amino acid substitution p.Val1128Met. To our knowledge, this variant has not been reported in the literature or in a large population database, indicating this variant is rare. At this time, the clinical significance of this variant is uncertain due to the absence of conclusive functional and genetic evidence.